The following is an entry in ClinVar:

NM_032444.4(SLX4):c.2928C>G (p.His976Gln)

Gene: SLX4 (SLX4 structure-specific endonuclease subunit; minus strand). Cytogenetic location: 16p13.3.
Variant type: single nucleotide variant.
Coding change: c.2928C>G on transcript NM_032444.4 (MANE Select); coding-DNA position 2928, C replaced by G.
Protein change: p.His976Gln; replaces histidine 976 with glutamine.
Molecular consequence: missense variant.
Genome position (GRCh38, 1-based): chr16:3,590,710, G>C on the plus strand (C>G on the coding strand, the complement: SLX4 is on the minus strand). VCF-style: chr16-3590710-G-C. GRCh37 (hg19) VCF-style: chr16-3640711-G-C.
Other names: short protein forms H976Q.
Identifiers: ClinVar variation 1058103 (VCV001058103.7), dbSNP rs1054086781, ClinGen allele CA276959224.

ClinVar aggregate classification (germline): Uncertain significance. Review status: criteria provided, multiple submitters, no conflicts (2 of 4 stars). 2 submissions from 2 submitters: Uncertain significance (2). Last evaluated 2024-03-07.

Conditions:
Fanconi anemia complementation group P. Also called: SLX4-Related Fanconi Anemia. Identifiers: Orphanet 84, MedGen C3469542, MONDO:0013499, OMIM 613951.
Fanconi anemia (FA). Also called: Fanconi's anemia. Identifiers: Orphanet 84, MedGen C0015625, MeSH D005199, MONDO:0019391.

Allele frequency attached by ClinVar (database versions not stated): gnomAD exomes below 0.00001; gnomAD 0.00001; TOPMed 0.00003.
gnomAD v4.1: 4 of 1,614,082 alleles (0.00025%); highest among the groups gnomAD compares: African/African-American, 0.004%; no homozygotes.

Submissions (2):

Fulgent Genetics
Classification: Uncertain significance for Fanconi anemia complementation group P. Last evaluated: 2024-03-07. Review status: criteria provided, single submitter. Criteria: ACMG Guidelines, 2015. Collection method: clinical testing. Allele origin: germline.

Labcorp Genetics (formerly Invitae), Labcorp
Classification: Uncertain significance for Fanconi anemia. Last evaluated: 2021-08-28. Review status: criteria provided, single submitter. Criteria: Invitae Variant Classification Sherloc (09022015). Collection method: clinical testing. Allele origin: germline.
Comment: This sequence change replaces histidine with glutamine at codon 976 of the SLX4 protein (p.His976Gln). The histidine residue is moderately conserved and there is a small physicochemical difference between histidine and glutamine. This variant is not present in population databases (ExAC no frequency). This variant has not been reported in the literature in individuals affected with SLX4-related conditions. Algorithms developed to predict the effect of missense changes on protein structure and function (SIFT, PolyPhen-2, Align-GVGD) all suggest that this variant is likely to be tolerated. Algorithms developed to predict the effect of sequence changes on RNA splicing suggest that this variant may create or strengthen a splice site. In summary, the available evidence is currently insufficient to determine the role of this variant in disease. Therefore, it has been classified as a Variant of Uncertain Significance.